The following is an entry in ClinVar:

ClinVar aggregate classification (germline): Uncertain significance (1 of 4 stars; one submission).

Conditions:
Autosomal recessive polycystic kidney disease (ARPKD). Also called: AR polycystic kidney disease. Identifiers: Orphanet 731, Orphanet 8378, MedGen C0085548, MeSH D017044, MONDO:0009889.

Allele frequency attached by ClinVar (database versions not stated): gnomAD exomes below 0.00001.
gnomAD v4.1: 5 of 1,597,896 alleles (0.00031%); highest among the groups gnomAD compares: Non-Finnish European, 0.00043%; no homozygotes.

Submission:

Labcorp Genetics (formerly Invitae), Labcorp
Classification: Uncertain significance for Autosomal recessive polycystic kidney disease. Last evaluated: 2021-08-26. Review status: criteria provided, single submitter. Criteria: Invitae Variant Classification Sherloc (09022015). Collection method: clinical testing. Allele origin: germline.
Comment: This sequence change replaces threonine with alanine at codon 321 of the PKHD1 protein (p.Thr321Ala). The threonine residue is moderately conserved and there is a small physicochemical difference between threonine and alanine. This variant is not present in population databases (ExAC no frequency). This variant has not been reported in the literature in individuals affected with PKHD1-related conditions. Advanced modeling of protein sequence and biophysical properties (such as structural, functional, and spatial information, amino acid conservation, physicochemical variation, residue mobility, and thermodynamic stability) performed at Invitae indicates that this missense variant is not expected to disrupt PKHD1 protein function. In summary, the available evidence is currently insufficient to determine the role of this variant in disease. Therefore, it has been classified as a Variant of Uncertain Significance.

NM_138694.4(PKHD1):c.961A>G (p.Thr321Ala)

Gene: PKHD1 (PKHD1 ciliary IPT domain containing fibrocystin/polyductin; minus strand). Cytogenetic location: 6p12.2.
Variant type: single nucleotide variant.
Coding change: c.961A>G on transcript NM_138694.4 (MANE Select); coding-DNA position 961, A replaced by G.
Protein change: p.Thr321Ala; replaces threonine 321 with alanine.
Molecular consequence: missense variant.
Genome position (GRCh38, 1-based): chr6:52,064,970, T>C on the plus strand (A>G on the coding strand, the complement: PKHD1 is on the minus strand). VCF-style: chr6-52064970-T-C. GRCh37 (hg19) VCF-style: chr6-51929768-T-C.
Other names: c.961A>G, p.Thr321Ala (NM_170724.3); short protein forms T321A.
Identifiers: ClinVar variation 1461379 (VCV001461379.5), dbSNP rs2128221798, ClinGen allele CA364429382.